The following is an entry in ClinVar:

NM_175875.5(SIX5):c.56_61dup (p.Ala20_Ala21insValAla)

Genes: SIX5 (SIX homeobox 5; minus strand), DM1-AS (DM1 locus antisense RNA; plus strand), LOC107075317 (origin of replication in DMPK trinucleotide repeat region; plus strand). Cytogenetic location: 19q13.32.
Variant type: Duplication.
Coding change: c.56_61dup on transcript NM_175875.5 (MANE Select); coding-DNA positions 56 to 61, 6 bases duplicated (TGGCGG; older notation c.56_61dupTGGCGG).
Protein change: p.Ala20_Ala21insValAla.
Molecular consequence: inframe insertion.
Genome position (GRCh38, 1-based): chr19:45,768,784-45,768,789, CCGCCA duplicated on the plus strand (TGGCGG on the coding strand, the reverse complement: SIX5 is on the minus strand); duplicating any 6 consecutive bases within chr19:45,768,784-45,768,794 gives the same sequence; the c. name uses the placement nearest the transcript's 3' end. VCF-style (leftmost placement, unchanged base first): chr19-45768783-G-GCCGCCA. GRCh37 (hg19) VCF-style: chr19-46272041-G-GCCGCCA.
Other names: c.56_61dup6 (NM_175875.4).
Identifiers: ClinVar variation 2192116 (VCV002192116.5), dbSNP rs1232425414, ClinGen allele CA882763420.
Genomic context (GRCh38, chr19:45,768,783, plus strand): 5'-GCCTGCAAAGTCTGCAAGAGCTGGCGCGCTTCCTCCTCCTCCTCTTCGGTCGCCGCCGCC[G>GCCGCCA]CCGCCACCGCCTCCCCCCCAGCCGCCGGCCCCGCGCTCGGCTCCGCAGGCAAGGTAGCCA-3'

ClinVar aggregate classification (germline): Uncertain significance. Review status: criteria provided, multiple submitters, no conflicts (2 of 4 stars). 2 submissions from 2 submitters: Uncertain significance (2). Last evaluated 2025-06-21.

Conditions:
SIX5-related disorder. Also called: SIX5-related condition.

Submissions (2):

PreventionGenetics, part of Exact Sciences
Classification: Uncertain significance for SIX5-related condition. Last evaluated: 2025-06-21. Review status: criteria provided, single submitter. Criteria: ACMG Guidelines, 2015. Collection method: clinical testing. Allele origin: germline.
Comment: The SIX5 c.56_61dup6 variant is predicted to result in an in-frame duplication (p.Val19_Ala20dup). To our knowledge, this variant has not been reported in the literature or in a large population database (gnomAD), indicating this variant is rare. At this time, the clinical significance of this variant is uncertain due to the absence of conclusive functional and genetic evidence.

Labcorp Genetics (formerly Invitae), Labcorp
Classification: Uncertain significance. Last evaluated: 2025-06-04. Review status: criteria provided, single submitter. Criteria: Invitae Variant Classification Sherloc (09022015). Collection method: clinical testing. Allele origin: germline.
Comment: This variant, c.56_61dup, results in the insertion of 2 amino acid(s) of the SIX5 protein (p.Val19_Ala20dup), but otherwise preserves the integrity of the reading frame. This variant is not present in population databases (gnomAD no frequency). This variant has not been reported in the literature in individuals affected with SIX5-related conditions. ClinVar contains an entry for this variant (Variation ID: 2192116). In summary, the available evidence is currently insufficient to determine the role of this variant in disease. Therefore, it has been classified as a Variant of Uncertain Significance.